The following is an entry in ClinVar:

ClinVar aggregate classification (germline): Likely benign (0 of 4 stars; one submission).

Conditions:
QRICH2-related disorder. Also called: QRICH2-related condition.

Allele frequency attached by ClinVar (database versions not stated): ExAC 0.00001.
gnomAD v4.1: 15 of 1,613,924 alleles (0.00093%); highest among the groups gnomAD compares: Non-Finnish European, 0.0011%; no homozygotes.

Submission:

PreventionGenetics, part of Exact Sciences
Classification: Likely benign for QRICH2-related condition. Last evaluated: 2019-06-07. Review status: no assertion criteria provided. Collection method: clinical testing. Allele origin: germline.
Comment: This variant is classified as likely benign based on ACMG/AMP sequence variant interpretation guidelines (Richards et al. 2015 PMID: 25741868, with internal and published modifications).

NM_001388453.1(QRICH2):c.4386+10C>T

Gene: QRICH2 (glutamine rich 2; minus strand). Cytogenetic location: 17q25.1.
Variant type: single nucleotide variant.
Coding change: c.4386+10C>T on transcript NM_001388453.1 (MANE Select); 10 bases into the intron after coding-DNA position 4386, C replaced by T.
Molecular consequence: intron variant.
Genome position (GRCh38, 1-based): chr17:76,280,821, G>A on the plus strand (C>T on the coding strand, the complement: QRICH2 is on the minus strand). VCF-style: chr17-76280821-G-A. GRCh37 (hg19) VCF-style: chr17-74276902-G-A.
Other names: c.4386+10C>T (NM_032134.3).
Identifiers: ClinVar variation 3044747 (VCV003044747.2), dbSNP rs770460110, ClinGen allele CA8783547.